The following is an entry in ClinVar:

ClinVar aggregate classification (germline): Uncertain significance (1 of 4 stars; one submission).

Allele frequency attached by ClinVar (database versions not stated): gnomAD 0.00001; gnomAD exomes 0.00002 and 0.00003; ExAC 0.00003; TOPMed 0.00003.
gnomAD v4.1: 27 of 1,607,642 alleles (0.0017%); highest among the groups gnomAD compares: Admixed American, 0.01%; no homozygotes.

Submission:

Labcorp Genetics (formerly Invitae), Labcorp
Classification: Uncertain significance. Last evaluated: 2023-07-07. Review status: criteria provided, single submitter. Criteria: Invitae Variant Classification Sherloc (09022015). Collection method: clinical testing. Allele origin: germline.
Comment: This variant is present in population databases (rs776092159, gnomAD 0.02%). This variant has not been reported in the literature in individuals affected with INPPL1-related conditions. ClinVar contains an entry for this variant (Variation ID: 1017045). An algorithm developed to predict the effect of missense changes on protein structure and function (PolyPhen-2) suggests that this variant is likely to be disruptive. In summary, the available evidence is currently insufficient to determine the role of this variant in disease. Therefore, it has been classified as a Variant of Uncertain Significance. This sequence change replaces threonine, which is neutral and polar, with methionine, which is neutral and non-polar, at codon 1129 of the INPPL1 protein (p.Thr1129Met).

NM_001567.4(INPPL1):c.3386C>T (p.Thr1129Met)

Gene: INPPL1 (inositol polyphosphate phosphatase like 1; plus strand). Cytogenetic location: 11q13.4.
Variant type: single nucleotide variant.
Coding change: c.3386C>T on transcript NM_001567.4 (MANE Select); coding-DNA position 3386, C replaced by T.
Protein change: p.Thr1129Met; replaces threonine 1129 with methionine.
Molecular consequence: missense variant.
Genome position (GRCh38, 1-based): chr11:72,237,630, C>T. VCF-style: chr11-72237630-C-T. GRCh37 (hg19) VCF-style: chr11-71948674-C-T.
Other names: short protein forms T1129M.
Identifiers: ClinVar variation 1017045 (VCV001017045.7), dbSNP rs776092159, ClinGen allele CA6170618.